The following is an entry in ClinVar:

NM_012073.5(CCT5):c.1090T>C (p.Phe364Leu)

Gene: CCT5 (chaperonin containing TCP1 subunit 5; plus strand). Cytogenetic location: 5p15.2.
Variant type: single nucleotide variant.
Coding change: c.1090T>C on transcript NM_012073.5 (MANE Select); coding-DNA position 1090, T replaced by C.
Protein change: p.Phe364Leu; replaces phenylalanine 364 with leucine.
Molecular consequence: missense variant.
Genome position (GRCh38, 1-based): chr5:10,261,656, T>C. VCF-style: chr5-10261656-T-C. GRCh37 (hg19) VCF-style: chr5-10261768-T-C.
Other names: c.1027T>C, p.Phe343Leu (NM_001306153.1); c.925T>C, p.Phe309Leu (NM_001306154.2); c.811T>C, p.Phe271Leu (NM_001306155.2); c.976T>C, p.Phe326Leu (NM_001306156.2); short protein forms F364L, F309L, F326L, F343L, F271L.
Identifiers: ClinVar variation 3829279 (VCV003829279.2).

ClinVar aggregate classification (germline): Uncertain significance. Review status: criteria provided, multiple submitters, no conflicts (2 of 4 stars). 2 submissions from 2 submitters: Uncertain significance (2). Last evaluated 2025-02-27.

Conditions:
Hereditary sensory and autonomic neuropathy with spastic paraplegia (HSNSP). Identifiers: Orphanet 139578, MedGen C1850395, MONDO:0009748, OMIM 256840.

gnomAD v4.1: 99 of 1,614,008 alleles (0.0061%); highest among the groups gnomAD compares: Non-Finnish European, 0.008%; no homozygotes.

Submissions (2):

Labcorp Genetics (formerly Invitae), Labcorp
Classification: Uncertain significance for Hereditary sensory and autonomic neuropathy with spastic paraplegia. Last evaluated: 2025-02-27. Review status: criteria provided, single submitter. Criteria: Invitae Variant Classification Sherloc (09022015). Collection method: clinical testing. Allele origin: germline.
Comment: This sequence change replaces phenylalanine, which is neutral and non-polar, with leucine, which is neutral and non-polar, at codon 364 of the CCT5 protein (p.Phe364Leu). This variant is present in population databases (rs765584260, gnomAD 0.007%). This variant has not been reported in the literature in individuals affected with CCT5-related conditions. Invitae Evidence Modeling of protein sequence and biophysical properties (such as structural, functional, and spatial information, amino acid conservation, physicochemical variation, residue mobility, and thermodynamic stability) indicates that this missense variant is not expected to disrupt CCT5 protein function with a negative predictive value of 80%. In summary, the available evidence is currently insufficient to determine the role of this variant in disease. Therefore, it has been classified as a Variant of Uncertain Significance.

Ambry Genetics
Classification: Uncertain significance. Last evaluated: 2025-02-10. Review status: criteria provided, single submitter. Criteria: Ambry Variant Classification Scheme 2023. Collection method: clinical testing. Allele origin: germline.